The following is an entry in ClinVar:

NM_015450.3(POT1):c.1121T>A (p.Leu374Gln)

Gene: POT1 (protection of telomeres 1; minus strand). Cytogenetic location: 7q31.33.
Variant type: single nucleotide variant.
Coding change: c.1121T>A on transcript NM_015450.3 (MANE Select); coding-DNA position 1121, T replaced by A.
Protein change: p.Leu374Gln; replaces leucine 374 with glutamine.
Molecular consequence: missense variant. On other transcripts: non-coding transcript variant (3).
Genome position (GRCh38, 1-based): chr7:124,842,849, A>T on the plus strand (T>A on the coding strand, the complement: POT1 is on the minus strand). VCF-style: chr7-124842849-A-T. GRCh37 (hg19) VCF-style: chr7-124482903-A-T.
Other names: c.728T>A, p.Leu243Gln (NM_001042594.2); short protein forms L243Q, L374Q.
Identifiers: ClinVar variation 3226651 (VCV003226651.1), dbSNP rs2485401845, ClinGen allele CA369068249.

ClinVar aggregate classification (germline): Uncertain significance (1 of 4 stars; one submission).

Conditions:
Hereditary cancer-predisposing syndrome. Also called: Neoplastic Syndromes, Hereditary; Tumor predisposition; Hereditary neoplastic syndrome; Hereditary Cancer Syndrome. Identifiers: Orphanet 140162, MedGen C0027672, MeSH D009386, MONDO:0015356.

Submission:

Ambry Genetics
Classification: Uncertain significance for Hereditary cancer-predisposing syndrome. Last evaluated: 2024-01-25. Review status: criteria provided, single submitter. Criteria: Ambry Variant Classification Scheme 2023. Collection method: clinical testing. Allele origin: germline.
Comment: The p.L374Q variant (also known as c.1121T>A), located in coding exon 9 of the POT1 gene, results from a T to A substitution at nucleotide position 1121. The leucine at codon 374 is replaced by glutamine, an amino acid with dissimilar properties. This amino acid position is conserved. In addition, this alteration is predicted to be deleterious by in silico analysis. Based on the available evidence, the clinical significance of this alteration remains unclear.